The following is an entry in ClinVar:

ClinVar aggregate classification (germline): Uncertain significance. Review status: criteria provided, multiple submitters, no conflicts (2 of 4 stars). 2 submissions from 2 submitters: Uncertain significance (2). Last evaluated 2026-09-29.

Allele frequency attached by ClinVar (database versions not stated): ExAC 0.00007; TOPMed 0.00009; gnomAD 0.00012; ESP Exome Variant Server 0.00015; 1000 Genomes Project 30x 0.00016; 1000 Genomes Project 0.00020.
gnomAD v4.1: 132 of 1,613,014 alleles (0.0082%); highest among the groups gnomAD compares: African/African-American, 0.02%; no homozygotes.

Submissions (2):

GeneDx
Classification: Uncertain significance. Last evaluated: 2026-09-29. Review status: criteria provided, single submitter. Criteria: GeneDx Variant Classification Process June 2021. Collection method: clinical testing. Allele origin: germline.
Comment: Reported with a second variant (phase unknown) in a patient with hearing loss in published literature (PMID: 26969326); In silico analysis is inconclusive as to whether the variant alters gene splicing. In the absence of RNA/functional studies, the actual effect of this sequence change is unknown.; This variant is associated with the following publications: (PMID: 34426522, 34042254, 26969326, 41163957)

Blueprint Genetics
Classification: Uncertain significance. Last evaluated: 2024-10-02. Review status: criteria provided, single submitter. Criteria: ACMG Guidelines, 2015. Collection method: clinical testing. Allele origin: germline.

NM_144991.3(TSPEAR):c.1566G>A (p.Pro522=)

Gene: TSPEAR (thrombospondin type laminin G domain and EAR repeats; minus strand). Cytogenetic location: 21q22.3.
Variant type: single nucleotide variant.
Coding change: c.1566G>A on transcript NM_144991.3 (MANE Select); coding-DNA position 1566, G replaced by A.
Protein change: p.Pro522=; no amino-acid change (proline 522 retained).
Molecular consequence: synonymous variant.
Genome position (GRCh38, 1-based): chr21:44,521,883, C>T on the plus strand (G>A on the coding strand, the complement: TSPEAR is on the minus strand). VCF-style: chr21-44521883-C-T. GRCh37 (hg19) VCF-style: chr21-45941766-C-T.
Other names: c.1362G>A, p.Pro454= (NM_001272037.2).
Identifiers: ClinVar variation 1810688 (VCV001810688.4), dbSNP rs151318000, ClinGen allele CA10056534.